The following is an entry in ClinVar:

ClinVar aggregate classification (germline): Pathogenic (1 of 4 stars; one submission).

Submission:

Labcorp Genetics (formerly Invitae), Labcorp
Classification: Pathogenic. Last evaluated: 2025-06-23. Review status: criteria provided, single submitter. Criteria: Invitae Variant Classification Sherloc (09022015). Collection method: clinical testing. Allele origin: germline.
Comment: This sequence change creates a premature translational stop signal (p.Gly127Alafs*43) in the PKDCC gene. It is expected to result in an absent or disrupted protein product. Loss-of-function variants in PKDCC are known to be pathogenic (PMID: 19097194, 30478137). This variant is present in population databases (rs776527541, gnomAD 0.006%). This variant has not been reported in the literature in individuals affected with PKDCC-related conditions. For these reasons, this variant has been classified as Pathogenic.

Literature cited by the submitters: PubMed 19097194; PubMed 30478137.

NM_138370.3(PKDCC):c.375_379del (p.Gly127fs)

Genes: PKDCC (protein kinase domain containing, cytoplasmic; plus strand), LOC129933565 (ATAC-STARR-seq lymphoblastoid silent region 11398; plus strand). Cytogenetic location: 2p21.
Variant type: Microsatellite.
Coding change: c.375_379del on transcript NM_138370.3 (MANE Select); coding-DNA positions 375 to 379, 5 bases deleted (CCCGG; older notation c.375_379delCCCGG).
Protein change: p.Gly127fs; shifts the reading frame from glycine 127.
Molecular consequence: frameshift variant.
Genome position (GRCh38, 1-based): chr2:42,048,574-42,048,578, CCCGG deleted; deleting any 5 consecutive bases within chr2:42,048,569-42,048,578 gives the same sequence; the c. name uses the placement nearest the transcript's 3' end. VCF-style (leftmost placement, unchanged base first): chr2-42048568-CCCCGG-C. GRCh37 (hg19) VCF-style: chr2-42275708-CCCCGG-C.
Other names: short protein forms G127fs.
Identifiers: ClinVar variation 1390852 (VCV001390852.6), dbSNP rs776527541, ClinGen allele CA1627895.
Genomic context (GRCh38, chr2:42,048,568, plus strand): 5'-TTGGGCCCGGCCCCTGTCCGACGGCGCCCCAGGCTGGCCCCCGGCTCCCGGCCCAGGCTC[CCCCGG>C]CCCGGGCCCGCGCCTGGGCTGCGCCGCGCTTCGCAACGTGTCCGGCGCGCAGTACATGGG-3'